The following is an entry in ClinVar:

ClinVar aggregate classification (germline): Pathogenic (1 of 4 stars; one submission).

Submission:

Labcorp Genetics (formerly Invitae), Labcorp
Classification: Pathogenic. Last evaluated: 2023-12-19. Review status: criteria provided, single submitter. Criteria: Invitae Variant Classification Sherloc (09022015). Collection method: clinical testing. Allele origin: germline.
Comment: This sequence change creates a premature translational stop signal (p.Thr171Serfs*19) in the PDGFB gene. It is expected to result in an absent or disrupted protein product. Loss-of-function variants in PDGFB are known to be pathogenic (PMID: 23913003, 26599395). This variant is not present in population databases (gnomAD no frequency). This variant has not been reported in the literature in individuals affected with PDGFB-related conditions. ClinVar contains an entry for this variant (Variation ID: 2014034). For these reasons, this variant has been classified as Pathogenic.

Literature cited by the submitters: PubMed 23913003; PubMed 26599395.

NM_002608.4(PDGFB):c.512del (p.Thr171fs)

Gene: PDGFB (platelet derived growth factor subunit B; minus strand). Cytogenetic location: 22q13.1.
Variant type: Deletion.
Coding change: c.512del on transcript NM_002608.4 (MANE Select); coding-DNA position 512, one base deleted (C; older notation c.512delC).
Protein change: p.Thr171fs; shifts the reading frame from threonine 171.
Molecular consequence: frameshift variant.
Genome position (GRCh38, 1-based): chr22:39,230,173, G deleted on the plus strand (C on the coding strand, the reverse complement: PDGFB is on the minus strand). VCF-style (leftmost placement, unchanged base first): chr22-39230172-CG-C. GRCh37 (hg19) VCF-style: chr22-39626177-CG-C.
Other names: c.467del, p.Thr156fs (NM_033016.3); short protein forms T156fs, T171fs.
Identifiers: ClinVar variation 2014034 (VCV002014034.4), dbSNP rs2517759909, ClinGen allele CA2580099777.